The following is an entry in ClinVar:

ClinVar aggregate classification (germline): Uncertain significance (1 of 4 stars; one submission).

Conditions:
Colorectal cancer, hereditary nonpolyposis, type 7. Identifiers: Orphanet 144, MedGen C1858380, MONDO:0013725, OMIM 614385.

Submission:

Labcorp Genetics (formerly Invitae), Labcorp
Classification: Uncertain significance for Colorectal cancer, hereditary nonpolyposis, type 7. Last evaluated: 2022-05-04. Review status: criteria provided, single submitter. Criteria: Invitae Variant Classification Sherloc (09022015). Collection method: clinical testing. Allele origin: germline.
Comment: This sequence change replaces glutamine, which is neutral and polar, with arginine, which is basic and polar, at codon 473 of the MLH3 protein (p.Gln473Arg). This variant is not present in population databases (gnomAD no frequency). This variant has not been reported in the literature in individuals affected with MLH3-related conditions. Algorithms developed to predict the effect of missense changes on protein structure and function output the following: SIFT: "Tolerated"; PolyPhen-2: "Benign"; Align-GVGD: "Class C0". The arginine amino acid residue is found in multiple mammalian species, which suggests that this missense change does not adversely affect protein function. In summary, the available evidence is currently insufficient to determine the role of this variant in disease. Therefore, it has been classified as a Variant of Uncertain Significance.

NM_001040108.2(MLH3):c.1418A>G (p.Gln473Arg)

Gene: MLH3 (mutL homolog 3; minus strand). Cytogenetic location: 14q24.3.
Variant type: single nucleotide variant.
Coding change: c.1418A>G on transcript NM_001040108.2 (MANE Select); coding-DNA position 1418, A replaced by G.
Protein change: p.Gln473Arg; replaces glutamine 473 with arginine.
Molecular consequence: missense variant.
Genome position (GRCh38, 1-based): chr14:75,048,238, T>C on the plus strand (A>G on the coding strand, the complement: MLH3 is on the minus strand). VCF-style: chr14-75048238-T-C. GRCh37 (hg19) VCF-style: chr14-75514941-T-C.
Other names: c.1418A>G, p.Gln473Arg (NM_014381.3); short protein forms Q473R.
Identifiers: ClinVar variation 1900293 (VCV001900293.5), dbSNP rs2503296039, ClinGen allele CA390445793.